The following is an entry in ClinVar:

ClinVar aggregate classification (germline): Uncertain significance (1 of 4 stars; one submission).

Conditions:
Familial cold autoinflammatory syndrome 3 (FCAS3). Also called: ANTIBODY DEFICIENCY AND IMMUNE DYSREGULATION, PLCG2-ASSOCIATED; FAMILIAL ATYPICAL COLD URTICARIA. Identifiers: Orphanet 300359, MedGen C3280914, MONDO:0013766, OMIM 614468.

Submission:

Labcorp Genetics (formerly Invitae), Labcorp
Classification: Uncertain significance for Familial cold autoinflammatory syndrome 3. Last evaluated: 2021-09-07. Review status: criteria provided, single submitter. Criteria: Invitae Variant Classification Sherloc (09022015). Collection method: clinical testing. Allele origin: germline.
Comment: In summary, the available evidence is currently insufficient to determine the role of this variant in disease. Therefore, it has been classified as a Variant of Uncertain Significance. Algorithms developed to predict the effect of missense changes on protein structure and function are either unavailable or do not agree on the potential impact of this missense change (SIFT: "Deleterious"; PolyPhen-2: "Benign"; Align-GVGD: "Class C0"). This variant has not been reported in the literature in individuals affected with PLCG2-related conditions. This variant is not present in population databases (ExAC no frequency). This sequence change replaces glutamine with lysine at codon 149 of the PLCG2 protein (p.Gln149Lys). The glutamine residue is moderately conserved and there is a small physicochemical difference between glutamine and lysine.

NM_002661.5(PLCG2):c.445C>A (p.Gln149Lys)

Gene: PLCG2 (phospholipase C gamma 2; plus strand). Cytogenetic location: 16q23.3.
Variant type: single nucleotide variant.
Coding change: c.445C>A on transcript NM_002661.5 (MANE Select); coding-DNA position 445, C replaced by A.
Protein change: p.Gln149Lys; replaces glutamine 149 with lysine.
Molecular consequence: missense variant.
Genome position (GRCh38, 1-based): chr16:81,859,129, C>A. VCF-style: chr16-81859129-C-A. GRCh37 (hg19) VCF-style: chr16-81892734-C-A.
Other names: short protein forms Q149K.
Identifiers: ClinVar variation 1380098 (VCV001380098.6), dbSNP rs2143490818, ClinGen allele CA396901718.